The following is an entry in ClinVar:

ClinVar aggregate classification (germline): Uncertain significance (1 of 4 stars; one submission).

Conditions:
Intellectual developmental disorder, autosomal dominant 72 (MRD72). Identifiers: Orphanet 652487, MedGen C5830612, MONDO:0957397, OMIM 620439.

Submission:

Juno Genomics, Hangzhou Juno Genomics, Inc
Classification: Uncertain significance for Intellectual developmental disorder, autosomal dominant 72. Review status: criteria provided, single submitter. Criteria: ACMG Guidelines, 2015. Collection method: clinical testing. Allele origin: germline.
Comment: Absent from controls (or at extremely low frequency if recessive) in Genome Aggregation Database.;Protein length changes due to in-frame deletions/insertions in a non-repeat region or stop-loss variants.

NM_016333.4(SRRM2):c.4945_4947del (p.Pro1649del)

Gene: SRRM2 (serine/arginine repetitive matrix 2; plus strand). Cytogenetic location: 16p13.3.
Variant type: Deletion.
Coding change: c.4945_4947del on transcript NM_016333.4 (MANE Select); coding-DNA positions 4945 to 4947, 3 bases deleted (CCT; older notation c.4945_4947delCCT).
Protein change: p.Pro1649del; deletes proline 1649.
Molecular consequence: inframe deletion.
Genome position (GRCh38, 1-based): chr16:2,765,473-2,765,475, CCT deleted; deleting any 3 consecutive bases within chr16:2,765,471-2,765,475 gives the same sequence; the c. name uses the placement nearest the transcript's 3' end. VCF-style (leftmost placement, unchanged base first): chr16-2765470-TCTC-T. GRCh37 (hg19) VCF-style: chr16-2815471-TCTC-T.
Other names: short protein forms P1649del.
Identifiers: ClinVar variation 5005560 (VCV005005560.2).